The following is an entry in ClinVar:

ClinVar aggregate classification (germline): Uncertain significance (1 of 4 stars; one submission).

Conditions:
Inborn genetic diseases. Identifiers: MedGen C0950123, MeSH D030342.

gnomAD v4.1: 6 of 1,556,336 alleles (0.00039%); highest among the groups gnomAD compares: Non-Finnish European, 0.00044%; no homozygotes.

Submission:

Ambry Genetics
Classification: Uncertain significance for Inborn genetic diseases. Last evaluated: 2025-04-12. Review status: criteria provided, single submitter. Criteria: Ambry Variant Classification Scheme 2023. Collection method: clinical testing. Allele origin: germline.
Comment: The p.Q865R variant (also known as c.2594A>G), located in coding exon 14 of the FANCM gene, results from an A to G substitution at nucleotide position 2594. The glutamine at codon 865 is replaced by arginine, an amino acid with highly similar properties. This amino acid position is conserved. In addition, this alteration is predicted to be tolerated by in silico analysis. Based on the available evidence, the clinical significance of this variant remains unclear.

NM_020937.4(FANCM):c.2594A>G (p.Gln865Arg)

Gene: FANCM (FA complementation group M; plus strand). Cytogenetic location: 14q21.2.
Variant type: single nucleotide variant.
Coding change: c.2594A>G on transcript NM_020937.4 (MANE Select); coding-DNA position 2594, A replaced by G.
Protein change: p.Gln865Arg; replaces glutamine 865 with arginine.
Molecular consequence: missense variant.
Genome position (GRCh38, 1-based): chr14:45,175,348, A>G. VCF-style: chr14-45175348-A-G. GRCh37 (hg19) VCF-style: chr14-45644551-A-G.
Other names: c.2516A>G, p.Gln839Arg (NM_001308133.2); short protein forms Q865R, Q839R.
Identifiers: ClinVar variation 4022685 (VCV004022685.1).